The following is an entry in ClinVar:

ClinVar aggregate classification (germline): Uncertain significance (1 of 4 stars; one submission).

Conditions:
Kabuki syndrome. Also called: NIIKAWA-KUROKI SYNDROME; Kabuki make-up syndrome. Identifiers: Orphanet 2322, MedGen C0796004, MONDO:0016512.

Submission:

Labcorp Genetics (formerly Invitae), Labcorp
Classification: Uncertain significance for Kabuki syndrome. Last evaluated: 2025-05-27. Review status: criteria provided, single submitter. Criteria: Invitae Variant Classification Sherloc (09022015). Collection method: clinical testing. Allele origin: germline.
Comment: This sequence change replaces alanine, which is neutral and non-polar, with valine, which is neutral and non-polar, at codon 2826 of the KMT2D protein (p.Ala2826Val). This variant is not present in population databases (gnomAD no frequency). This variant has not been reported in the literature in individuals affected with KMT2D-related conditions. Invitae Evidence Modeling of protein sequence and biophysical properties (such as structural, functional, and spatial information, amino acid conservation, physicochemical variation, residue mobility, and thermodynamic stability) indicates that this missense variant is not expected to disrupt KMT2D protein function with a negative predictive value of 95%. In summary, the available evidence is currently insufficient to determine the role of this variant in disease. Therefore, it has been classified as a Variant of Uncertain Significance.

NM_003482.4(KMT2D):c.8477C>T (p.Ala2826Val)

Gene: KMT2D (lysine methyltransferase 2D; minus strand). Cytogenetic location: 12q13.12.
Variant type: single nucleotide variant.
Coding change: c.8477C>T on transcript NM_003482.4 (MANE Select); coding-DNA position 8477, C replaced by T.
Protein change: p.Ala2826Val; replaces alanine 2826 with valine.
Molecular consequence: missense variant.
Genome position (GRCh38, 1-based): chr12:49,038,879, G>A on the plus strand (C>T on the coding strand, the complement: KMT2D is on the minus strand). VCF-style: chr12-49038879-G-A. GRCh37 (hg19) VCF-style: chr12-49432662-G-A.
Other names: short protein forms A2826V.
Identifiers: ClinVar variation 4801227 (VCV004801227.1).
Genomic context (GRCh38, chr12:49,038,879, plus strand): 5'-CCAAGTTCAGGTCCAGGAGTTGATGGAAAGCGAGCTGACATGGCAAATCGCATGGAGGTT[G>A]CTGCTGTTGCCTGTTGTTGCTGCCACAGTTGTTGCTGTTGCTGCTGTAAGGGCAGGGACC-3'
Protein context (NP_003473.3, residues 2816-2836): QLWQQQQATA[Ala2826Val]TSMRFAMSAR